The following is an entry in ClinVar:

ClinVar aggregate classification (germline): Uncertain significance (1 of 4 stars; one submission).

Submission:

Mayo Clinic Laboratories, Mayo Clinic
Classification: Uncertain significance. Last evaluated: 2025-03-05. Review status: criteria provided, single submitter. Criteria: ACMG Guidelines, 2015. Collection method: clinical testing. Allele origin: germline. Observed: 1 variant allele.
Comment: BP4_moderate, PM2_supporting

NM_033305.3(VPS13A):c.1527G>T (p.Glu509Asp)

Gene: VPS13A (vacuolar protein sorting 13 homolog A; plus strand). Cytogenetic location: 9q21.2.
Variant type: single nucleotide variant.
Coding change: c.1527G>T on transcript NM_033305.3 (MANE Select); coding-DNA position 1527, G replaced by T.
Protein change: p.Glu509Asp; replaces glutamic acid 509 with aspartic acid.
Molecular consequence: missense variant.
Genome position (GRCh38, 1-based): chr9:77,228,196, G>T. VCF-style: chr9-77228196-G-T. GRCh37 (hg19) VCF-style: chr9-79843112-G-T.
Other names: p.Glu509Asp; c.1527G>T, p.Glu509Asp (NM_001018037.2, NM_001018038.3, NM_015186.4); short protein forms E509D.
Identifiers: ClinVar variation 4541449 (VCV004541449.1).